The following is an entry in ClinVar:

ClinVar aggregate classification (germline): Benign/Likely benign. Review status: criteria provided, multiple submitters, no conflicts (2 of 4 stars). 2 submissions from 2 submitters: Benign (1); Likely benign (1). Last evaluated 2025-12-23.

Conditions:
NBAS-related disorder. Also called: NBAS-related condition.

Allele frequency attached by ClinVar (database versions not stated): gnomAD 0.00001; TOPMed 0.00005; ExAC 0.00008; gnomAD exomes 0.00013.
gnomAD v4.1: 38 of 1,613,990 alleles (0.0024%); highest among the groups gnomAD compares: Admixed American, 0.063%; 1 homozygote.

Submissions (2):

PreventionGenetics, part of Exact Sciences
Classification: Likely benign for NBAS-related condition. Last evaluated: 2025-12-23. Review status: criteria provided, single submitter. Criteria: ACMG Guidelines, 2015. Collection method: clinical testing. Allele origin: germline.
Comment: This variant is classified as likely benign based on ACMG/AMP sequence variant interpretation guidelines (Richards et al. 2015 PMID: 25741868, with internal and published modifications).

Labcorp Genetics (formerly Invitae), Labcorp
Classification: Benign. Last evaluated: 2025-11-06. Review status: criteria provided, single submitter. Criteria: Invitae Variant Classification Sherloc (09022015). Collection method: clinical testing. Allele origin: germline.

NM_015909.4(NBAS):c.4398T>C (p.Asp1466=)

Gene: NBAS (NBAS subunit of NRZ tethering complex; minus strand). Cytogenetic location: 2p24.3.
Variant type: single nucleotide variant.
Coding change: c.4398T>C on transcript NM_015909.4 (MANE Select); coding-DNA position 4398, T replaced by C.
Protein change: p.Asp1466=; no amino-acid change (aspartic acid 1466 retained).
Molecular consequence: synonymous variant. On other transcripts: non-coding transcript variant (1).
Genome position (GRCh38, 1-based): chr2:15,328,262, A>G on the plus strand (T>C on the coding strand, the complement: NBAS is on the minus strand). VCF-style: chr2-15328262-A-G. GRCh37 (hg19) VCF-style: chr2-15468386-A-G.
Other names: c.4398T>C (NM_015909.3).
Identifiers: ClinVar variation 1600752 (VCV001600752.9), dbSNP rs527937098, ClinGen allele CA1535661.
Genomic context (GRCh38, chr2:15,328,262, plus strand): 5'-AGCGACAAAAGGATTTGAGATGACAGATTCATAAAAAGGATGACACCCTTGTTTCTCTAG[A>G]TCTTCATTGGCTGTAGTTCCGATTTGATATGCACCACCACATTTTTGCCCCTAAAAAGAA-3'
Protein context (NP_056993.2, residues 1456-1476): AYQIGTTANE[Asp1466=]LEKQGCHPFY